The following is an entry in ClinVar:

NC_000017.10:g.(41258551_41267742)_(41276114_?)del

Gene: BRCA1 (BRCA1 DNA repair associated; minus strand). Cytogenetic location: 17q21.31.
Variant type: Deletion.
Identifiers: ClinVar variation 4796809 (VCV004796809.1).

ClinVar aggregate classification (germline): Pathogenic (1 of 4 stars; one submission).

Conditions:
Breast-ovarian cancer, familial, susceptibility to, 1 (BROVCA1). Also called: OVARIAN CANCER, SUSCEPTIBILITY TO; BRCA1 Hereditary Breast and Ovarian Cancer. Identifiers: Orphanet 145, MedGen C2676676, MONDO:0011450, OMIM 604370. Disease mechanism: loss of function.

Submission:

Biotechnology, Institute of Science, Nirma University
Classification: Pathogenic for Breast-ovarian cancer, familial, susceptibility to, 1. Last evaluated: 2026-02-19. Review status: criteria provided, single submitter. Criteria: ACMG Guidelines, 2015. Collection method: research. Allele origin: germline. Affected: yes. Observed: 1 heterozygote.
Comment: This heterozygous variant causes deletion of exon 2 and 3 of the BRCA1 gene, that affects the translation initiation site present in exon 2, and consequently leads to loss-of-function of the protein. This variant has been earlier reported in ClinVar database in hereditary breast and ovarian cancer. The population frequency of the variant is not present in gnomAD. The in-silico predictions are shown to be damaging. Considering all these conditions, the variant has been classified as pathogenic.